The following is an entry in ClinVar:

ClinVar aggregate classification (germline): Uncertain significance. Review status: criteria provided, multiple submitters, no conflicts (2 of 4 stars). 7 submissions from 7 submitters: Uncertain significance (6). 1 of the submissions does not count toward it. Last evaluated 2025-08-19.

Conditions:
Autosomal recessive limb-girdle muscular dystrophy type 2C (LGMDR5). Also called: MUSCULAR DYSTROPHY, DUCHENNE-LIKE; MUSCULAR DYSTROPHY, LIMB-GIRDLE, AUTOSOMAL RECESSIVE 5. Identifiers: Orphanet 353, MedGen C0410173, MONDO:0009677, OMIM 253700. Disease mechanism: Affects gamma-sarcoglycan and also disrupts the integrity of the entire sarcoglycan complex..

Allele frequency attached by ClinVar (database versions not stated): ESP Exome Variant Server 0.00008; gnomAD 0.00008; TOPMed 0.00008.
gnomAD v4.1: 93 of 1,613,882 alleles (0.0058%); highest among the groups gnomAD compares: Admixed American, 0.018%; no homozygotes.

Submissions (7):

Myriad Genetics, Inc.
Classification: Uncertain significance for Autosomal recessive limb-girdle muscular dystrophy type 2C. Last evaluated: 2025-08-19. Review status: criteria provided, single submitter. Criteria: Myriad Autosomal Dominant, Autosomal Recessive and X-Linked Classification Criteria (2023). Collection method: clinical testing. Allele origin: unknown.
Comment: NM_000231.2(SGCG):c.142G>A(V48I) is a missense variant classified as a variant of uncertain significance in the context of gamma-sarcoglycanopathy. V48I has not been observed in cases with relevant disease. Relevant functional assessments of this variant are not available in the literature. V48I has been observed in referenced population frequency databases. In summary, there is insufficient evidence to classify NM_000231.2(SGCG):c.142G>A(V48I) as pathogenic or benign. Please note: this variant was assessed in the context of healthy population screening.

Labcorp Genetics (formerly Invitae), Labcorp
Classification: Uncertain significance for Autosomal recessive limb-girdle muscular dystrophy type 2C. Last evaluated: 2024-10-22. Review status: criteria provided, single submitter. Criteria: Invitae Variant Classification Sherloc (09022015). Collection method: clinical testing. Allele origin: germline.
Comment: This sequence change replaces valine, which is neutral and non-polar, with isoleucine, which is neutral and non-polar, at codon 48 of the SGCG protein (p.Val48Ile). This variant is present in population databases (rs369936288, gnomAD 0.01%). This variant has not been reported in the literature in individuals affected with SGCG-related conditions. ClinVar contains an entry for this variant (Variation ID: 290344). Invitae Evidence Modeling of protein sequence and biophysical properties (such as structural, functional, and spatial information, amino acid conservation, physicochemical variation, residue mobility, and thermodynamic stability) indicates that this missense variant is not expected to disrupt SGCG protein function with a negative predictive value of 80%. In summary, the available evidence is currently insufficient to determine the role of this variant in disease. Therefore, it has been classified as a Variant of Uncertain Significance.

Fulgent Genetics
Classification: Uncertain significance for Autosomal recessive limb-girdle muscular dystrophy type 2C. Last evaluated: 2021-10-14. Review status: criteria provided, single submitter. Criteria: ACMG Guidelines, 2015. Collection method: clinical testing. Allele origin: unknown.

Revvity Omics, Revvity
Classification: Uncertain significance for Autosomal recessive limb-girdle muscular dystrophy type 2C. Last evaluated: 2019-05-03. Review status: criteria provided, single submitter. Criteria: ACMG Guidelines, 2015. Collection method: clinical testing. Allele origin: germline.

Eurofins Ntd Llc (ga)
Classification: Uncertain significance. Last evaluated: 2016-08-22. Review status: criteria provided, single submitter. Criteria: EGL Classification Definitions 2015. Collection method: clinical testing. Allele origin: germline. Observed: 1 variant allele, 1 heterozygote.

Breakthrough Genomics
Classification: Uncertain significance. Review status: criteria provided, single submitter. Criteria: ACMG Guidelines, 2015. Collection method: not provided. Allele origin: germline. Inheritance: Autosomal recessive inheritance. Affected: yes.

Natera, Inc.
Classification: Uncertain significance for Limb-girdle muscular dystrophy type 2C. Last evaluated: 2019-11-11. Review status: no assertion criteria provided. Collection method: clinical testing. Allele origin: germline. Not counted in ClinVar's aggregate classification.

NM_000231.3(SGCG):c.142G>A (p.Val48Ile)

Gene: SGCG (sarcoglycan gamma; plus strand). Cytogenetic location: 13q12.12.
Variant type: single nucleotide variant.
Coding change: c.142G>A on transcript NM_000231.3 (MANE Select); coding-DNA position 142, G replaced by A.
Protein change: p.Val48Ile; replaces valine 48 with isoleucine.
Molecular consequence: missense variant.
Genome position (GRCh38, 1-based): chr13:23,203,836, G>A. VCF-style: chr13-23203836-G-A. GRCh37 (hg19) VCF-style: chr13-23777975-G-A.
Other names: c.196G>A, p.Val66Ile (NM_001378244.1); c.142G>A, p.Val48Ile (NM_001378245.1, NM_001378246.1); short protein forms V48I, V66I.
Identifiers: ClinVar variation 290344 (VCV000290344.16), dbSNP rs369936288, ClinGen allele CA6909580.
Genomic context (GRCh38, chr13:23,203,836, plus strand): 5'-ATTTATGGCTGGAGAAAGCGCTGTCTCTACTTGTTTGTTCTTCTTTTACTCATCATCCTC[G>A]TTGTGAATTTAGCTCTTACAATTTGGATTCTTAAAGTGATGTGGTTTTCTCCAGTAAGTA-3'
Protein context (NP_000222.2, residues 38-58): LFVLLLLIIL[Val48Ile]VNLALTIWIL